The following is an entry in ClinVar:

ClinVar aggregate classification (germline): Uncertain significance (1 of 4 stars; one submission).

Conditions:
Progressive microcephaly-seizures-cortical blindness-developmental delay syndrome. Also called: Seizures, cortical blindness, and microcephaly syndrome. Identifiers: Orphanet 477814, MedGen C5567650, MONDO:0014714, OMIM 616632.
Autosomal dominant nonsyndromic hearing loss 1. Also called: KONIGSMARK SYNDROME; DEAFNESS, AUTOSOMAL DOMINANT 1, WITH OR WITHOUT THROMBOCYTOPENIA. Identifiers: Orphanet 90635, MedGen C1852282, MONDO:0007424, OMIM 124900.

Submission:

Labcorp Genetics (formerly Invitae), Labcorp
Classification: Uncertain significance for Progressive microcephaly-seizures-cortical blindness-developmental delay syndrome; Autosomal dominant nonsyndromic hearing loss 1. Last evaluated: 2022-11-07. Review status: criteria provided, single submitter. Criteria: Invitae Variant Classification Sherloc (09022015). Collection method: clinical testing. Allele origin: germline.
Comment: In summary, the available evidence is currently insufficient to determine the role of this variant in disease. Therefore, it has been classified as a Variant of Uncertain Significance. Algorithms developed to predict the effect of missense changes on protein structure and function output the following: SIFT: "Tolerated"; PolyPhen-2: "Benign"; Align-GVGD: "Class C0". The valine amino acid residue is found in multiple mammalian species, which suggests that this missense change does not adversely affect protein function. This variant has not been reported in the literature in individuals affected with DIAPH1-related conditions. This variant is not present in population databases (gnomAD no frequency). This sequence change replaces leucine, which is neutral and non-polar, with valine, which is neutral and non-polar, at codon 1232 of the DIAPH1 protein (p.Leu1232Val).

NM_005219.5(DIAPH1):c.3694C>G (p.Leu1232Val)

Gene: DIAPH1 (diaphanous related formin 1; minus strand). Cytogenetic location: 5q31.3.
Variant type: single nucleotide variant.
Coding change: c.3694C>G on transcript NM_005219.5 (MANE Select); coding-DNA position 3694, C replaced by G.
Protein change: p.Leu1232Val; replaces leucine 1232 with valine.
Molecular consequence: missense variant. On other transcripts: synonymous variant (1).
Genome position (GRCh38, 1-based): chr5:141,516,976, G>C on the plus strand (C>G on the coding strand, the complement: DIAPH1 is on the minus strand). VCF-style: chr5-141516976-G-C. GRCh37 (hg19) VCF-style: chr5-140896543-G-C.
Other names: c.3667C>G, p.Leu1223Val (NM_001079812.3); c.3747C>G, p.Leu1249= (NM_001314007.2); short protein forms L1223V, L1232V.
Identifiers: ClinVar variation 1719660 (VCV001719660.6), dbSNP rs2513594833, ClinGen allele CA361572676.